The following is an entry in ClinVar:

NM_000528.4(MAN2B1):c.1645-1G>A

Gene: MAN2B1 (mannosidase alpha class 2B member 1; minus strand). Cytogenetic location: 19p13.13.
Variant type: single nucleotide variant.
Coding change: c.1645-1G>A on transcript NM_000528.4 (MANE Select); the canonical splice acceptor site of the intron before coding-DNA position 1645, G replaced by A.
Molecular consequence: splice acceptor variant.
Genome position (GRCh38, 1-based): chr19:12,655,880, C>T on the plus strand (G>A on the coding strand, the complement: MAN2B1 is on the minus strand). VCF-style: chr19-12655880-C-T. GRCh37 (hg19) VCF-style: chr19-12766694-C-T.
Other names: c.1642-1G>A (NM_001173498.2).
Identifiers: ClinVar variation 559883 (VCV000559883.19), dbSNP rs938576591, ClinGen allele CA305469714.
Genomic context (GRCh38, chr19:12,655,880, plus strand): 5'-GGCTGAGAACAGCAGCTCCGGAGGGTGCGCCTGGCTGTCTGAGCTGGGAAATATTACCAC[C>T]TCGGATAAAGGAGGAGGGAAACTGAGTCAAGAGTACCCATGGAAAGCTATACATGCATGG-3'

ClinVar aggregate classification (germline): Pathogenic/Likely pathogenic. Review status: criteria provided, multiple submitters, no conflicts (2 of 4 stars). 7 submissions from 7 submitters: Pathogenic (4); Likely pathogenic (3). Last evaluated 2025-07-10.

Conditions:
Deficiency of alpha-mannosidase (MANSA). Also called: Mannosidosis, alpha-, types I and II; Alpha-Mannosidosis; LYSOSOMAL ALPHA-D-MANNOSIDASE DEFICIENCY. Identifiers: Orphanet 61, MedGen C0024748, MONDO:0009561, OMIM 248500.

Allele frequency attached by ClinVar (database versions not stated): gnomAD exomes below 0.00001 and 0.00001; TOPMed below 0.00001.
gnomAD v4.1: 4 of 1,613,558 alleles (0.00025%); highest among the groups gnomAD compares: Non-Finnish European, 0.00034%; no homozygotes.

Submissions (7):

Labcorp Genetics (formerly Invitae), Labcorp
Classification: Pathogenic for Deficiency of alpha-mannosidase. Last evaluated: 2025-07-10. Review status: criteria provided, single submitter. Criteria: Invitae Variant Classification Sherloc (09022015). Collection method: clinical testing. Allele origin: germline.
Comment: This sequence change affects an acceptor splice site in intron 13 of the MAN2B1 gene. It is expected to disrupt RNA splicing. Variants that disrupt the donor or acceptor splice site typically lead to a loss of protein function (PMID: 16199547), and loss-of-function variants in MAN2B1 are known to be pathogenic (PMID: 9915946, 22161967). This variant is present in population databases (no rsID available, gnomAD 0.0009%). Disruption of this splice site has been observed in individual(s) with alpha-mannosidosis (PMID: 22161967, 31241255). In at least one individual the data is consistent with being in trans (on the opposite chromosome) from a pathogenic variant. ClinVar contains an entry for this variant (Variation ID: 559883). Algorithms developed to predict the effect of sequence changes on RNA splicing suggest that this variant may disrupt the consensus splice site. For these reasons, this variant has been classified as Pathogenic.

Fulgent Genetics
Classification: Pathogenic for Deficiency of alpha-mannosidase. Last evaluated: 2024-04-03. Review status: criteria provided, single submitter. Criteria: ACMG Guidelines, 2015. Collection method: clinical testing. Allele origin: germline.

Natera, Inc.
Classification: Likely pathogenic for Alpha-mannosidosis. Last evaluated: 2024-03-11. Review status: criteria provided, single submitter. Criteria: Natera Variant Classification Schema (03/2026). Collection method: clinical testing. Allele origin: germline.
Comment: The c.1645-1G>A variant in MAN2B1 is a canonical splice acceptor site variant predicted to affect pre-mRNA splicing, which may result in an abnormal transcript and altered protein product. This variant is rare in the general population with a frequency below the threshold expected for the associated phenotype(s). This variant has been observed in one or more individuals affected with the associated recessive disease, as either homozygous or compound heterozygous with a second variant (PMID: 26048034). Given the available evidence, this variant is classified as Likely Pathogenic.

Baylor Genetics
Classification: Pathogenic for Deficiency of alpha-mannosidase. Last evaluated: 2023-11-06. Review status: criteria provided, single submitter. Criteria: ACMG Guidelines, 2015. Collection method: clinical testing. Allele origin: unknown.

Myriad Genetics, Inc.
Classification: Likely pathogenic for Deficiency of alpha-mannosidase. Last evaluated: 2021-11-18. Review status: criteria provided, single submitter. Criteria: Myriad Women's Health Autosomal Recessive and X-Linked Classification Criteria (2021). Collection method: clinical testing. Allele origin: unknown.
Comment: NM_000528.3(MAN2B1):c.1645-1G>A is a canonical splice variant classified as likely pathogenic in the context of alpha-mannosidosis. c.1645-1G>A has been observed in cases with relevant disease (PMID: 22161967, 31241255). Functional assessments of this variant are not available in the literature. c.1645-1G>A has been observed in population frequency databases (gnomAD: NFE < 0.002%). In summary, NM_000528.3(MAN2B1):c.1645-1G>A is a canonical splice variant that has been observed more frequently in cases with the relevant disease than in healthy populations. Please note: this variant was assessed in the context of healthy population screening.

Genome-Nilou Lab
Classification: Pathogenic for Deficiency of alpha-mannosidase. Last evaluated: 2021-09-05. Review status: criteria provided, single submitter. Criteria: ACMG Guidelines, 2015. Collection method: clinical testing. Allele origin: germline. Affected: no.

Equipe Genetique des Anomalies du Developpement, Université de Bourgogne
Classification: Likely pathogenic for Deficiency of alpha-mannosidase. Last evaluated: 2015-07-29. Review status: criteria provided, single submitter. Criteria: ACMG Guidelines, 2015. Collection method: clinical testing. Allele origin: unknown. Affected: yes. Study: Clinvar_gadteam_Clinical_exome_analysis_3.

Literature cited by the submitters: PubMed 16199547 (cited by Labcorp Genetics (formerly Invitae), Labcorp); PubMed 9915946 (cited by Labcorp Genetics (formerly Invitae), Labcorp); PubMed 22161967 (cited by Labcorp Genetics (formerly Invitae), Labcorp and Myriad Genetics, Inc.); PubMed 31241255 (cited by Labcorp Genetics (formerly Invitae), Labcorp and Myriad Genetics, Inc.); PubMed 26048034 (cited by Natera, Inc.).